The following is an entry in ClinVar:

ClinVar aggregate classification (germline): Likely benign. Review status: criteria provided, multiple submitters, no conflicts (2 of 4 stars). 2 submissions from 2 submitters: Likely benign (2). Last evaluated 2026-09-09.

Conditions:
NHERF1-related disorder. Also called: NHERF1-related condition.

gnomAD v4.1: 53 of 1,613,990 alleles (0.0033%); highest among the groups gnomAD compares: Non-Finnish European, 0.004%; no homozygotes.

Submissions (2):

PreventionGenetics, part of Exact Sciences
Classification: Likely benign for NHERF1-related condition. Last evaluated: 2026-09-09. Review status: criteria provided, single submitter. Criteria: ACMG Guidelines, 2015. Collection method: clinical testing. Allele origin: germline.
Comment: This variant is classified as likely benign based on ACMG/AMP sequence variant interpretation guidelines (Richards et al. 2015 PMID: 25741868, with internal and published modifications).

Blueprint Genetics
Classification: Likely benign. Last evaluated: 2024-09-12. Review status: criteria provided, single submitter. Criteria: ACMG Guidelines, 2015. Collection method: clinical testing. Allele origin: germline.

NM_004252.5(NHERF1):c.762C>T (p.Pro254=)

Gene: NHERF1 (NHERF family PDZ scaffold protein 1; plus strand). Cytogenetic location: 17q25.1.
Variant type: single nucleotide variant.
Coding change: c.762C>T on transcript NM_004252.5 (MANE Select); coding-DNA position 762, C replaced by T.
Protein change: p.Pro254=; no amino-acid change (proline 254 retained).
Molecular consequence: synonymous variant.
Genome position (GRCh38, 1-based): chr17:74,766,940, C>T. VCF-style: chr17-74766940-C-T. GRCh37 (hg19) VCF-style: chr17-72763079-C-T.
Other names: c.762C>T (NM_004252.4).
Identifiers: ClinVar variation 4936849 (VCV004936849.2).
Genomic context (GRCh38, chr17:74,766,940, plus strand): 5'-TCCACGCTCTATTCCATCCCCGTTCTGGACTCACCTCTGCTCTGTCCTTTGCCTAGGTCC[C>T]CTGCCTGTGCCCTTCACCAATGGGGAGATACAGAAGGTAAGGGCGGGTCCCCTGTCTCTT-3'
Protein context (NP_004243.1, residues 244-264): VIPSQEHLNG[Pro254=]LPVPFTNGEI